The following is an entry in ClinVar:

ClinVar aggregate classification (germline): Uncertain significance (1 of 4 stars; one submission).

Submission:

GeneDx
Classification: Uncertain significance. Last evaluated: 2025-07-11. Review status: criteria provided, single submitter. Criteria: GeneDx Variant Classification Process June 2021. Collection method: clinical testing. Allele origin: germline. Affected: yes.
Comment: Not observed at significant frequency in large population cohorts (gnomAD); In silico analysis suggests that this missense variant does not alter protein structure/function; Has not been previously published as pathogenic or benign to our knowledge

NM_004519.4(KCNQ3):c.872C>T (p.Ala291Val)

Gene: KCNQ3 (potassium voltage-gated channel subfamily Q member 3; minus strand). Cytogenetic location: 8q24.22.
Variant type: single nucleotide variant.
Coding change: c.872C>T on transcript NM_004519.4 (MANE Select); coding-DNA position 872, C replaced by T.
Protein change: p.Ala291Val; replaces alanine 291 with valine.
Molecular consequence: missense variant.
Genome position (GRCh38, 1-based): chr8:132,175,514, G>A on the plus strand (C>T on the coding strand, the complement: KCNQ3 is on the minus strand). VCF-style: chr8-132175514-G-A. GRCh37 (hg19) VCF-style: chr8-133187761-G-A.
Other names: c.512C>T, p.Ala171Val (NM_001204824.2); short protein forms A171V, A291V.
Identifiers: ClinVar variation 4685135 (VCV004685135.1).